The following is an entry in ClinVar:

NM_001165963.4(SCN1A):c.4264T>C (p.Tyr1422His)

Genes: SCN1A (sodium voltage-gated channel alpha subunit 1; minus strand), LOC102724058 (uncharacterized LOC102724058; plus strand). Cytogenetic location: 2q24.3.
Variant type: single nucleotide variant.
Coding change: c.4264T>C on transcript NM_001165963.4 (MANE Select); coding-DNA position 4264, T replaced by C.
Protein change: p.Tyr1422His; replaces tyrosine 1422 with histidine.
Molecular consequence: missense variant. On other transcripts: non-coding transcript variant (1).
Genome position (GRCh38, 1-based): chr2:166,002,492, A>G on the plus strand (T>C on the coding strand, the complement: SCN1A is on the minus strand). VCF-style: chr2-166002492-A-G. GRCh37 (hg19) VCF-style: chr2-166859002-A-G.
Other names: c.4231T>C, p.Tyr1411His (NM_001353952.2, NM_006920.6, NM_001353949.2 and 2 more transcripts); c.4228T>C, p.Tyr1410His (NM_001353954.2, NM_001353955.2); c.4180T>C, p.Tyr1394His (NM_001353957.2, NM_001353958.2, NM_001165964.3); c.4177T>C, p.Tyr1393His (NM_001353960.2); c.1822T>C, p.Tyr608His (NM_001353961.2); c.4264T>C, p.Tyr1422His (NM_001202435.3, NM_001353948.2); short protein forms Y1394H, Y1410H, Y1411H, Y1422H, Y1393H, Y608H.
Identifiers: ClinVar variation 2839015 (VCV002839015.4), dbSNP rs2468433633, ClinGen allele CA349049901.

ClinVar aggregate classification (germline): Likely pathogenic. Review status: criteria provided, multiple submitters, no conflicts (2 of 4 stars). 2 submissions from 2 submitters: Likely pathogenic (2). Last evaluated 2025-09-02.

Conditions:
Early-infantile DEE. Also called: Early infantile epileptic encephalopathy; Ohtahara syndrome; Early infantile epileptic encephalopathy with suppression bursts. Identifiers: Orphanet 1934, MedGen C0393706, MONDO:0800491.
SCN1A-related disorder. Also called: SCN1A-related conditions; SCN1A-related condition; SCN1A-related disorders.

Submissions (2):

3billion
Classification: Likely pathogenic for SCN1A-related disorder. Last evaluated: 2025-09-02. Review status: criteria provided, single submitter. Criteria: ACMG Guidelines, 2015. Collection method: clinical testing. Allele origin: germline. Affected: yes.
Comment: The variant is not observed in the gnomAD v4.1.0 dataset. Predicted Consequence/Location: Missense variant In silico tool predictions suggest damaging effect of the variant on gene or gene product [REVEL: 0.97 (>=0.6, sensitivity 0.68 and specificity 0.92); 3Cnet: 0.99 (> 0.75, sensitivity 0.96 and precision 0.92)]. The same nucleotide change resulting in the same amino acid change has been previously reported to be associated with SCN1A-related disorder (ClinVar ID: VCV002839015). Different missense changes at the same codon (p.Tyr1422Cys, p.Tyr1422Phe) have been reported as pathogenic/likely pathogenic with strong evidence (ClinVar ID: VCV000068540, VCV001321314 /PMID: 17054684). Therefore, this variant is classified as Likely pathogenic according to the recommendation of ACMG/AMP guideline.

Labcorp Genetics (formerly Invitae), Labcorp
Classification: Likely pathogenic for Early-infantile DEE. Last evaluated: 2023-02-19. Review status: criteria provided, single submitter. Criteria: Invitae Variant Classification Sherloc (09022015). Collection method: clinical testing. Allele origin: germline.
Comment: In summary, the currently available evidence indicates that the variant is pathogenic, but additional data are needed to prove that conclusively. Therefore, this variant has been classified as Likely Pathogenic. This variant disrupts the p.Tyr1422 amino acid residue in SCN1A. Other variant(s) that disrupt this residue have been determined to be pathogenic (PMID: 17054684). This suggests that this residue is clinically significant, and that variants that disrupt this residue are likely to be disease-causing. Advanced modeling of protein sequence and biophysical properties (such as structural, functional, and spatial information, amino acid conservation, physicochemical variation, residue mobility, and thermodynamic stability) performed at Invitae indicates that this missense variant is expected to disrupt SCN1A protein function. This variant has not been reported in the literature in individuals affected with SCN1A-related conditions. This variant is not present in population databases (gnomAD no frequency). This sequence change replaces tyrosine, which is neutral and polar, with histidine, which is basic and polar, at codon 1422 of the SCN1A protein (p.Tyr1422His).

Literature cited by the submitters: PubMed 17054684 (cited by 3billion and Labcorp Genetics (formerly Invitae), Labcorp).